The following is an entry in ClinVar:

ClinVar aggregate classification (germline): Uncertain significance (1 of 4 stars; one submission).

Allele frequency attached by ClinVar (database versions not stated): gnomAD 0.00001.
gnomAD v4.1: 11 of 1,610,786 alleles (0.00068%); highest among the groups gnomAD compares: African/African-American, 0.0054%; no homozygotes.

Submission:

Labcorp Genetics (formerly Invitae), Labcorp
Classification: Uncertain significance. Last evaluated: 2022-02-09. Review status: criteria provided, single submitter. Criteria: Invitae Variant Classification Sherloc (09022015). Collection method: clinical testing. Allele origin: germline.
Comment: This sequence change replaces alanine, which is neutral and non-polar, with threonine, which is neutral and polar, at codon 3963 of the KMT2C protein (p.Ala3963Thr). This variant is not present in population databases (gnomAD no frequency). This variant has not been reported in the literature in individuals affected with KMT2C-related conditions. Algorithms developed to predict the effect of missense changes on protein structure and function output the following: SIFT: "Tolerated"; PolyPhen-2: "Possibly Damaging"; Align-GVGD: "Class C0". The threonine amino acid residue is found in multiple mammalian species, which suggests that this missense change does not adversely affect protein function. In summary, the available evidence is currently insufficient to determine the role of this variant in disease. Therefore, it has been classified as a Variant of Uncertain Significance.

NM_170606.3(KMT2C):c.11887G>A (p.Ala3963Thr)

Gene: KMT2C (lysine methyltransferase 2C; minus strand). Cytogenetic location: 7q36.1.
Variant type: single nucleotide variant.
Coding change: c.11887G>A on transcript NM_170606.3 (MANE Select); coding-DNA position 11887, G replaced by A.
Protein change: p.Ala3963Thr; replaces alanine 3963 with threonine.
Molecular consequence: missense variant.
Genome position (GRCh38, 1-based): chr7:152,155,983, C>T on the plus strand (G>A on the coding strand, the complement: KMT2C is on the minus strand). VCF-style: chr7-152155983-C-T. GRCh37 (hg19) VCF-style: chr7-151853068-C-T.
Other names: short protein forms A3963T.
Identifiers: ClinVar variation 1503494 (VCV001503494.3), dbSNP rs557287551, ClinGen allele CA169224451.